The following is an entry in ClinVar:

ClinVar aggregate classification (germline): Uncertain significance. Review status: criteria provided, multiple submitters, no conflicts (2 of 4 stars). 2 submissions from 2 submitters: Uncertain significance (2). Last evaluated 2025-08-06.

Conditions:
Legius syndrome. Identifiers: Orphanet 137605, MedGen C1969623, MONDO:0012669, OMIM 611431. Disease mechanism: loss of function.

Allele frequency attached by ClinVar (database versions not stated): gnomAD exomes below 0.00001 and 0.00002; ExAC 0.00002; gnomAD 0.00006; TOPMed 0.00006.
gnomAD v4.1: 15 of 1,613,912 alleles (0.00093%); highest among the groups gnomAD compares: African/African-American, 0.019%; no homozygotes.

Submissions (2):

Labcorp Genetics (formerly Invitae), Labcorp
Classification: Uncertain significance for Legius syndrome. Last evaluated: 2025-08-06. Review status: criteria provided, single submitter. Criteria: Invitae Variant Classification Sherloc (09022015). Collection method: clinical testing. Allele origin: germline.
Comment: This sequence change replaces glycine, which is neutral and non-polar, with alanine, which is neutral and non-polar, at codon 430 of the SPRED1 protein (p.Gly430Ala). This variant is present in population databases (rs749389617, gnomAD 0.02%). This variant has not been reported in the literature in individuals affected with SPRED1-related conditions. ClinVar contains an entry for this variant (Variation ID: 640062). Invitae Evidence Modeling incorporating data from in vitro experimental studies (internal data) indicates that this missense variant is not expected to disrupt SPRED1 function with a negative predictive value of 95%. In summary, the available evidence is currently insufficient to determine the role of this variant in disease. Therefore, it has been classified as a Variant of Uncertain Significance.

Women's Health and Genetics/Laboratory Corporation of America, LabCorp
Classification: Uncertain significance. Last evaluated: 2021-11-15. Review status: criteria provided, single submitter. Criteria: LabCorp Variant Classification Summary - May 2015. Collection method: clinical testing. Allele origin: germline.
Comment: Variant summary: SPRED1 c.1289G>C (p.Gly430Ala) results in a non-conservative amino acid change in the encoded protein sequence. Three of five in-silico tools predict a damaging effect of the variant on protein function. The variant allele was found at a frequency of 2.4e-05 in 251136 control chromosomes (gnomAD). The available data on variant occurrences in the general population are insufficient to allow any conclusion about variant significance. c.1289G>C has been reported in the literature in one individual by a study reviewing all identified SPRED1 mutations, without case-specific information provided (Brems_2012). This report does not provide unequivocal conclusions about association of the variant with Neurofibromatosis Type 1-Like Syndrome (Legius Syndrome). To our knowledge, no experimental evidence demonstrating an impact on protein function has been reported. A ClinVar submitter (evaluation after 2014) cites the variant as uncertain significance. Based on the evidence outlined above, the variant was classified as uncertain significance.

Literature cited by the submitters: PubMed 22753041 (cited by Women's Health and Genetics/Laboratory Corporation of America, LabCorp).

NM_152594.3(SPRED1):c.1289G>C (p.Gly430Ala)

Gene: SPRED1 (sprouty related EVH1 domain containing 1; plus strand). Cytogenetic location: 15q14.
Variant type: single nucleotide variant.
Coding change: c.1289G>C on transcript NM_152594.3 (MANE Select); coding-DNA position 1289, G replaced by C.
Protein change: p.Gly430Ala; replaces glycine 430 with alanine.
Molecular consequence: missense variant.
Genome position (GRCh38, 1-based): chr15:38,351,618, G>C. VCF-style: chr15-38351618-G-C. GRCh37 (hg19) VCF-style: chr15-38643819-G-C.
Other names: short protein forms G430A.
Identifiers: ClinVar variation 640062 (VCV000640062.10), dbSNP rs749389617, ClinGen allele CA7470258.
Genomic context (GRCh38, chr15:38,351,618, plus strand): 5'-TGTCTTTCATTGTACCATGTATGTGCTGCTACGTCCCTTTGAGAATGTGCCATCGCTGTG[G>C]TGAGGCATGTGGTTGCTGTGGTGGGAAACATAAAGCTGCTGGATGAAATGGTCCAGTGCC-3'
Protein context (NP_689807.1, residues 420-440): YVPLRMCHRC[Gly430Ala]EACGCCGGKH